The following is an entry in ClinVar:

NM_001267550.2(TTN):c.48306dup (p.Thr16103fs)

Genes: TTN (titin; minus strand), TTN-AS1 (TTN antisense RNA 1; plus strand). Cytogenetic location: 2q31.2.
Variant type: Duplication.
Coding change: c.48306dup on transcript NM_001267550.2 (MANE Select); coding-DNA position 48306, one base duplicated (G; older notation c.48306dupG).
Protein change: p.Thr16103fs; shifts the reading frame from threonine 16103.
Molecular consequence: frameshift variant.
Genome position (GRCh38, 1-based): chr2:178,616,485, C duplicated on the plus strand (G on the coding strand, the reverse complement: TTN is on the minus strand); the first of 2 consecutive C bases (chr2:178,616,485-178,616,486); duplicating either gives the same sequence. VCF-style (leftmost placement, unchanged base first): chr2-178616484-T-TC. GRCh37 (hg19) VCF-style: chr2-179481211-T-TC.
Other names: c.43383dup, p.Thr14462fs (NM_001256850.1); c.21111dup, p.Thr7038fs (NM_003319.4); c.40602dup, p.Thr13535fs (NM_133378.4); c.21486dup, p.Thr7163fs (NM_133432.3); c.21687dup, p.Thr7230fs (NM_133437.4); short protein forms T13535fs, T14462fs, T16103fs, T7038fs, T7163fs, T7230fs.
Identifiers: ClinVar variation 3755261 (VCV003755261.2).

ClinVar aggregate classification (germline): Likely pathogenic (1 of 4 stars; one submission).

Conditions:
Dilated cardiomyopathy 1G (CMD1G). Identifiers: Orphanet 154, MedGen C1858763, MONDO:0011400, OMIM 604145.
Autosomal recessive limb-girdle muscular dystrophy type 2J (LGMDR10). Also called: Limb-girdle muscular dystrophy, type 2J; MUSCULAR DYSTROPHY, LIMB-GIRDLE, AUTOSOMAL RECESSIVE 10. Identifiers: Orphanet 140922, MedGen C1837342, MONDO:0012127, OMIM 608807.

Submission:

Labcorp Genetics (formerly Invitae), Labcorp
Classification: Likely pathogenic for Dilated cardiomyopathy 1G; Autosomal recessive limb-girdle muscular dystrophy type 2J. Last evaluated: 2024-03-13. Review status: criteria provided, single submitter. Criteria: Invitae Variant Classification Sherloc (09022015). Collection method: clinical testing. Allele origin: germline.
Comment: This sequence change creates a premature translational stop signal (p.Thr16103Aspfs*2) in the TTN gene. While this is not anticipated to result in nonsense mediated decay, it is expected to create a truncated TTN protein. This variant is not present in population databases (gnomAD no frequency). This variant has not been reported in the literature in individuals affected with TTN-related conditions. This variant is located in the A band of TTN (PMID: 25589632). Truncating variants in this region are significantly overrepresented in patients affected with dilated cardiomyopathy (PMID: 25589632). Truncating variants in this region have also been reported in individuals affected with autosomal recessive centronuclear myopathy (PMID: 23975875). In summary, the currently available evidence indicates that the variant is pathogenic, but additional data are needed to prove that conclusively. Therefore, this variant has been classified as Likely Pathogenic.

Literature cited by the submitters: PubMed 25589632; PubMed 23975875.